The following is an entry in ClinVar:

NM_001267550.2(TTN):c.95314C>T (p.Leu31772Phe)

Genes: TTN-AS1 (TTN antisense RNA 1; plus strand), TTN (titin; minus strand). Cytogenetic location: 2q31.2.
Variant type: single nucleotide variant.
Coding change: c.95314C>T on transcript NM_001267550.2 (MANE Select); coding-DNA position 95314, C replaced by T.
Protein change: p.Leu31772Phe; replaces leucine 31772 with phenylalanine.
Molecular consequence: missense variant.
Genome position (GRCh38, 1-based): chr2:178,545,922, G>A on the plus strand (C>T on the coding strand, the complement: TTN is on the minus strand). VCF-style: chr2-178545922-G-A. GRCh37 (hg19) VCF-style: chr2-179410649-G-A.
Other names: c.90391C>T, p.Leu30131Phe (NM_001256850.1); c.68119C>T, p.Leu22707Phe (NM_003319.4); c.87610C>T, p.Leu29204Phe (NM_133378.4); c.68494C>T, p.Leu22832Phe (NM_133432.3); c.68695C>T, p.Leu22899Phe (NM_133437.4); short protein forms L30131F, L31772F, L22832F, L22899F, L29204F, L22707F.
Identifiers: ClinVar variation 1445380 (VCV001445380.8), dbSNP rs2154145497, ClinGen allele CA349463027.
Genomic context (GRCh38, chr2:178,545,922, plus strand): 5'-CACCAGGGCCATATTTGTTTACTGCCCTCACTCGGAATATGTACTCATTGTTCTTGATGA[G>A]CCTGGTAACGACATAGGATAGGGTTGGGCATTCGCCTTCAACAATCACCCAGTTGAGCCT-3'
Protein context (NP_001254479.2, residues 31762-31782): CPTLSYVVTR[Leu31772Phe]IKNNEYIFRV

ClinVar aggregate classification (germline): Uncertain significance (1 of 4 stars; one submission).

Conditions:
Dilated cardiomyopathy 1G (CMD1G). Identifiers: Orphanet 154, MedGen C1858763, MONDO:0011400, OMIM 604145.
Autosomal recessive limb-girdle muscular dystrophy type 2J (LGMDR10). Also called: MUSCULAR DYSTROPHY, LIMB-GIRDLE, AUTOSOMAL RECESSIVE 10; Limb-girdle muscular dystrophy, type 2J. Identifiers: Orphanet 140922, MedGen C1837342, MONDO:0012127, OMIM 608807.

Submission:

Labcorp Genetics (formerly Invitae), Labcorp
Classification: Uncertain significance for Dilated cardiomyopathy 1G; Autosomal recessive limb-girdle muscular dystrophy type 2J. Last evaluated: 2022-04-26. Review status: criteria provided, single submitter. Criteria: Invitae Variant Classification Sherloc (09022015). Collection method: clinical testing. Allele origin: germline.
Comment: Experimental studies and prediction algorithms are not available or were not evaluated, and the functional significance of this variant is currently unknown. This variant has not been reported in the literature in individuals affected with TTN-related conditions. This variant is not present in population databases (gnomAD no frequency). This sequence change replaces leucine, which is neutral and non-polar, with phenylalanine, which is neutral and non-polar, at codon 31772 of the TTN protein (p.Leu31772Phe). In summary, the available evidence is currently insufficient to determine the role of this variant in disease. Therefore, it has been classified as a Variant of Uncertain Significance. This variant is located in the A band of TTN (PMID: 25589632). Variants in this region may be relevant for cardiac or neuromuscular disorders (PMID: 25589632, 23975875). Algorithms developed to predict the effect of sequence changes on RNA splicing suggest that this variant may create or strengthen a splice site.

Literature cited by the submitters: PubMed 25589632; PubMed 23975875.